The following is an entry in ClinVar:

NM_004329.3(BMPR1A):c.953A>G (p.Tyr318Cys)

Gene: BMPR1A (bone morphogenetic protein receptor type 1A; plus strand). Cytogenetic location: 10q23.2.
Variant type: single nucleotide variant.
Coding change: c.953A>G on transcript NM_004329.3 (MANE Select); coding-DNA position 953, A replaced by G.
Protein change: p.Tyr318Cys; replaces tyrosine 318 with cysteine.
Molecular consequence: missense variant.
Genome position (GRCh38, 1-based): chr10:86,919,256, A>G. VCF-style: chr10-86919256-A-G. GRCh37 (hg19) VCF-style: chr10-88679013-A-G.
Other names: p.Y318C:TAT>TGT; short protein forms Y318C.
Identifiers: ClinVar variation 127903 (VCV000127903.43), dbSNP rs587778111, ClinGen allele CA157454.
Genomic context (GRCh38, chr10:86,919,256, plus strand): 5'-GTACAGGTTCCTGGACTCAGCTCTATTTGATTACTGATTACCATGAAAATGGATCTCTCT[A>G]TGACTTCCTGAAATGTGCTACACTGGACACCAGAGCCCTGCTTAAATTGGCTTATTCAGC-3'
Protein context (NP_004320.2, residues 308-328): ITDYHENGSL[Tyr318Cys]DFLKCATLDT

ClinVar aggregate classification (germline): Conflicting classifications of pathogenicity. Review status: criteria provided, conflicting classifications (1 of 4 stars). 15 submissions from 15 submitters: Likely pathogenic (1); Uncertain significance (11); Likely benign (1). 2 of the submissions do not count toward it. Last evaluated 2025-12-24.

Conditions:
Juvenile polyposis syndrome (JPS). Identifiers: Orphanet 2929, MedGen C0345893, MONDO:0017380, OMIM 174900.
Polyposis syndrome, hereditary mixed, 2. Identifiers: Orphanet 157794, MedGen C1864730, MONDO:0012405, OMIM 610069.
Hereditary cancer-predisposing syndrome. Also called: Tumor predisposition; Hereditary Cancer Syndrome; Neoplastic Syndromes, Hereditary; Hereditary neoplastic syndrome. Identifiers: Orphanet 140162, MedGen C0027672, MeSH D009386, MONDO:0015356.

Allele frequency attached by ClinVar (database versions not stated): TOPMed 0.00001; ExAC 0.00002.
gnomAD v4.1: 29 of 1,613,818 alleles (0.0018%); highest among the groups gnomAD compares: Admixed American, 0.012%; no homozygotes.

Submissions (15):

Labcorp Genetics (formerly Invitae), Labcorp
Classification: Uncertain significance for Juvenile polyposis syndrome. Last evaluated: 2025-12-24. Review status: criteria provided, single submitter. Criteria: Invitae Variant Classification Sherloc (09022015). Collection method: clinical testing. Allele origin: germline.
Comment: This sequence change replaces tyrosine, which is neutral and polar, with cysteine, which is neutral and slightly polar, at codon 318 of the BMPR1A protein (p.Tyr318Cys). The frequency data for this variant in the population databases is considered unreliable, as metrics indicate poor data quality at this position in the gnomAD database. This variant has not been reported in the literature in individuals affected with BMPR1A-related conditions. ClinVar contains an entry for this variant (Variation ID: 127903). Invitae Evidence Modeling incorporating data from in vitro experimental studies (internal data) indicates that this missense variant is not expected to disrupt BMPR1A function with a negative predictive value of 95%. In summary, the available evidence is currently insufficient to determine the role of this variant in disease. Therefore, it has been classified as a Variant of Uncertain Significance.

Women's Health and Genetics/Laboratory Corporation of America, LabCorp
Classification: Uncertain significance. Last evaluated: 2025-10-08. Review status: criteria provided, single submitter. Criteria: LabCorp Variant Classification Summary - May 2015. Collection method: clinical testing. Allele origin: germline.
Comment: Variant summary: BMPR1A c.953A>G (p.Tyr318Cys) results in a non-conservative amino acid change located in the Serine-threonine/tyrosine-protein kinase, catalytic domain of the encoded protein sequence. Algorithms developed to predict the effect of missense changes on protein structure and function are either unavailable or do not agree on the potential impact of this missense change. The variant allele was found at a frequency of 2.8e-05 in 252400 control chromosomes. The available data on variant occurrences in the general population are insufficient to allow any conclusion about variant significance. c.953A>G has been reported in at least one individual affected with breast cancer (Tung_2015), but has also been reported in control cohorts (Bodian_2014, Okawa_2023). These report(s) do not provide unequivocal conclusions about association of the variant with Juvenile Polyposis Syndrome. To our knowledge, no experimental evidence demonstrating an impact on protein function has been reported. The following publications have been ascertained in the context of this evaluation (PMID: 24728327, 25186627, 36243179). ClinVar contains an entry for this variant (Variation ID: 127903). Based on the evidence outlined above, the variant was classified as uncertain significance.

Genomic Medicine Center of Excellence, King Faisal Specialist Hospital and Research Centre
Classification: Likely pathogenic for Juvenile polyposis syndrome. Last evaluated: 2025-09-10. Review status: criteria provided, single submitter. Criteria: ACMG Guidelines, 2015. Collection method: clinical testing. Allele origin: germline.

GeneDx
Classification: Uncertain significance. Last evaluated: 2025-07-28. Review status: criteria provided, single submitter. Criteria: GeneDx Variant Classification Process June 2021. Collection method: clinical testing. Allele origin: germline. Affected: yes.
Comment: In silico analysis supports that this missense variant has a deleterious effect on protein structure/function; This variant is associated with the following publications: (PMID: 25186627, 24728327, 36243179)

Center for Genomic Medicine, Rigshospitalet, Copenhagen University Hospital
Classification: Uncertain significance. Last evaluated: 2025-03-04. Review status: criteria provided, single submitter. Criteria: ACMG Guidelines, 2015. Collection method: clinical testing. Allele origin: germline.

Color Diagnostics, LLC DBA Color Health
Classification: Uncertain significance for Hereditary cancer-predisposing syndrome. Last evaluated: 2024-10-01. Review status: criteria provided, single submitter. Criteria: ACMG Guidelines, 2015. Collection method: clinical testing. Allele origin: germline.
Comment: This missense variant replaces tyrosine with cysteine at codon 318 of the BMPR1A protein. Computational prediction suggests that this variant may not impact protein structure and function. To our knowledge, functional studies have not been reported for this variant. This variant has been reported in individuals affected with breast cancer (PMID: 25186627) and biliary tract cancer (PMID: 36243179), but also in a healthy individual (PMID: 24728327). This variant has also been identified in 7/282504 chromosomes in the general population by the Genome Aggregation Database (gnomAD). The available evidence is insufficient to determine the role of this variant in disease conclusively. Therefore, this variant is classified as a Variant of Uncertain Significance.

All of Us Research Program, National Institutes of Health
Classification: Uncertain significance for Juvenile polyposis syndrome. Last evaluated: 2024-09-28. Review status: criteria provided, single submitter. Criteria: ACMG Guidelines, 2015. Collection method: clinical testing. Allele origin: germline. Inheritance: Autosomal dominant inheritance. Observed: 2 variant alleles, 2 heterozygotes.
Comment: This missense variant replaces tyrosine with cysteine at codon 318 of the BMPR1A protein. Computational prediction suggests that this variant may not impact protein structure and function (internally defined REVEL score threshold <= 0.5, PMID: 27666373). To our knowledge, functional studies have not been reported for this variant. This variant has been reported in an individual affected with breast cancer (PMID: 25186627), but also in a healthy individual (PMID: 24728327). This variant has also been identified in 7/282504 chromosomes in the general population by the Genome Aggregation Database (gnomAD). The available evidence is insufficient to determine the role of this variant in disease conclusively. Therefore, this variant is classified as a Variant of Uncertain Significance.

This study involves interpretation of variants in research participants for the purpose of population health screening. Participant phenotype was not available at the time of variant classification. Additional details can be found in publication PMID: 35346344, PMCID: PMC8962531

Fulgent Genetics
Classification: Uncertain significance for Juvenile polyposis syndrome; Polyposis syndrome, hereditary mixed, 2. Last evaluated: 2024-04-10. Review status: criteria provided, single submitter. Criteria: ACMG Guidelines, 2015. Collection method: clinical testing. Allele origin: germline.

Baylor Genetics
Classification: Uncertain significance for Polyposis syndrome, hereditary mixed, 2. Last evaluated: 2024-03-05. Review status: criteria provided, single submitter. Criteria: ACMG Guidelines, 2015. Collection method: clinical testing. Allele origin: unknown.

Myriad Genetics, Inc.
Classification: Uncertain significance for Juvenile polyposis syndrome. Last evaluated: 2023-03-02. Review status: criteria provided, single submitter. Criteria: Myriad Autosomal Dominant, Autosomal Recessive and X-Linked Classification Criteria (2023). Collection method: clinical testing. Allele origin: unknown.
Comment: This variant is classified as a variant of uncertain significance as there is insufficient evidence to determine its impact on protein function and/or cancer risk.

Sema4
Classification: Uncertain significance for Hereditary cancer-predisposing syndrome. Last evaluated: 2021-07-07. Review status: criteria provided, single submitter. Criteria: Sema4 Curation Guidelines. Collection method: curation. Allele origin: germline.
Comment: The BMPR1A c.953A>G (p.Y318C) variant has been reported in at least one individual with breast cancer (PMID: 25186627). It was observed in 7/276882 chromosomes across all populations in the large and broad cohorts of the Genome Aggregation Database (PMID: 32461654). The variant has been reported in ClinVar (Variation ID 127903). In silico tools suggest the impact of the variant on protein function is inconclusive, though these predictions have not been confirmed by functional studies. The evidence is insufficient to meet ACMG/AMP criteria for classifying the variant as benign or pathogenic. Thus, the clinical significance of this variant is currently uncertain.

Ambry Genetics
Classification: Likely benign for Hereditary cancer-predisposing syndrome. Last evaluated: 2020-06-08. Review status: criteria provided, single submitter. Criteria: Ambry Variant Classification Scheme 2023. Collection method: clinical testing. Allele origin: germline.

Quest Diagnostics Nichols Institute San Juan Capistrano
Classification: Uncertain significance. Last evaluated: 2020-05-29. Review status: criteria provided, single submitter. Criteria: Quest Diagnostics criteria. Collection method: clinical testing. Allele origin: unknown.

Counsyl
Classification: Uncertain significance for Juvenile polyposis syndrome. Last evaluated: 2016-11-08. Review status: no assertion criteria provided. Collection method: clinical testing. Allele origin: unknown. Not counted in ClinVar's aggregate classification.

ITMI
No classification provided. Condition: AllHighlyPenetrant. Last evaluated: 2013-09-19. Review status: no classification provided. Collection method: reference population. Allele origin: germline. Not counted in ClinVar's aggregate classification.
Comment: Please see associated publication for description of ethnicities

Literature cited by the submitters: PubMed 24728327 (cited by 7 submitters); PubMed 25186627 (cited by 5 submitters); PubMed 36243179 (cited by Women's Health and Genetics/Laboratory Corporation of America, LabCorp and Color Diagnostics, LLC DBA Color Health).